The following is an entry in ClinVar:

ClinVar aggregate classification (germline): Uncertain significance (1 of 4 stars; one submission).

Conditions:
Peroxisome biogenesis disorder 2B (PBD2B). Identifiers: Orphanet 44, MedGen C3550234, MONDO:0008736, OMIM 202370.

Allele frequency attached by ClinVar (database versions not stated): ExAC 0.00002.
gnomAD v4.1: 2 of 1,614,106 alleles (0.00012%); highest among the groups gnomAD compares: Admixed American, 0.0017%; no homozygotes.

Submission:

Labcorp Genetics (formerly Invitae), Labcorp
Classification: Uncertain significance for Peroxisome biogenesis disorder 2B. Last evaluated: 2022-06-17. Review status: criteria provided, single submitter. Criteria: Invitae Variant Classification Sherloc (09022015). Collection method: clinical testing. Allele origin: germline.
Comment: This sequence change replaces proline, which is neutral and non-polar, with arginine, which is basic and polar, at codon 331 of the PEX5 protein (p.Pro331Arg). This variant is present in population databases (rs748569329, gnomAD 0.007%). This variant has not been reported in the literature in individuals affected with PEX5-related conditions. Algorithms developed to predict the effect of missense changes on protein structure and function are either unavailable or do not agree on the potential impact of this missense change (SIFT: "Deleterious"; PolyPhen-2: "Probably Damaging"; Align-GVGD: "Class C0"). In summary, the available evidence is currently insufficient to determine the role of this variant in disease. Therefore, it has been classified as a Variant of Uncertain Significance.

NM_001351132.2(PEX5):c.992C>G (p.Pro331Arg)

Gene: PEX5 (peroxisomal biogenesis factor 5; plus strand). Cytogenetic location: 12p13.31.
Variant type: single nucleotide variant.
Coding change: c.992C>G on transcript NM_001351132.2 (MANE Select); coding-DNA position 992, C replaced by G.
Protein change: p.Pro331Arg; replaces proline 331 with arginine.
Molecular consequence: missense variant.
Genome position (GRCh38, 1-based): chr12:7,207,684, C>G. VCF-style: chr12-7207684-C-G. GRCh37 (hg19) VCF-style: chr12-7360280-C-G.
Other names: c.968C>G, p.Pro323Arg (NM_000319.5); c.1037C>G, p.Pro346Arg (NM_001131023.2); c.881C>G, p.Pro294Arg (NM_001131024.2, NM_001351124.3, NM_001351126.2 and 7 more transcripts); c.992C>G, p.Pro331Arg (NM_001131025.2, NM_001131026.2, NM_001300789.3 and 4 more transcripts); c.926C>G, p.Pro309Arg (NM_001351135.3, NM_001351138.2); c.983C>G, p.Pro328Arg (NM_001351136.2); c.857C>G, p.Pro286Arg (NM_001351139.2, NM_001351140.2, NM_001374649.2); short protein forms P309R, P331R, P328R, P294R, P323R, P286R, P346R.
Identifiers: ClinVar variation 2096754 (VCV002096754.1), dbSNP rs748569329, ClinGen allele CA6426342.